The following is an entry in ClinVar:

ClinVar aggregate classification (germline): Likely pathogenic. Review status: criteria provided, multiple submitters, no conflicts (2 of 4 stars). 2 submissions from 2 submitters: Likely pathogenic (2). Last evaluated 2023-02-23.

Conditions:
Joubert syndrome 10 (JBTS10). Identifiers: Orphanet 2754, MedGen C2749019, MONDO:0010431, OMIM 300804.

Submissions (2):

3billion
Classification: Likely pathogenic for Joubert syndrome 10. Last evaluated: 2023-02-23. Review status: criteria provided, single submitter. Criteria: ACMG Guidelines, 2015. Collection method: clinical testing. Allele origin: unknown. Affected: yes.
Comment: The variant is not observed in the gnomAD v2.1.1 dataset. Inframe deletion located in a nonrepeat region was predicted to change the length of the protein and disrupt normal protein function. The variant has been reported to be associated with OFD1 related disorder (ClinVar ID: VCV000430297 / PMID: 27434533). Therefore, this variant is classified as Likely pathogenic according to the recommendation of ACMG/AMP guideline.

GeneDx
Classification: Likely pathogenic. Last evaluated: 2020-01-16. Review status: criteria provided, single submitter. Criteria: GeneDx Variant Classification Process June 2021. Collection method: clinical testing. Allele origin: germline. Affected: yes.
Comment: Not observed in large population cohorts (Lek et al., 2016); In-frame deletion of 1 amino acids in a non-repeat region; In silico analysis, which includes protein predictors and evolutionary conservation, supports a deleterious effect; This variant is associated with the following publications: (PMID: 27434533)

Literature cited by the submitters: PubMed 27434533 (cited by 3billion).

NM_003611.3(OFD1):c.538GAT[1] (p.Asp181del)

Gene: OFD1 (OFD1 centriole and centriolar satellite protein; plus strand). Cytogenetic location: Xp22.2.
Variant type: Microsatellite.
Coding change: c.538GAT[1] on transcript NM_003611.3 (MANE Select); one copy of the 3-base unit GAT starting at c.538; the reference has two copies in a row; one copy, 3 bases deleted; also written c.541_543del.
Protein change: p.Asp181del; deletes aspartic acid 181.
Molecular consequence: inframe deletion.
Genome position (GRCh38, 1-based): chrX:13,746,342-13,746,344, GAT deleted; deleting any 3 consecutive bases within chrX:13,746,338-13,746,344 gives the same sequence; the position shown is the placement nearest the transcript's 3' end. VCF-style (leftmost placement, unchanged base first): chrX-13746337-TTGA-T. GRCh37 (hg19) VCF-style: chrX-13764456-TTGA-T.
Other names: c.541_543delGAT (NM_003611.2); c.538GAT[1], p.Asp181del (NM_001330209.2); c.118GAT[1], p.Asp41del (NM_001330210.2); c.541_543del (NM_003611.3); short protein forms D181del, D41del.
Identifiers: ClinVar variation 430297 (VCV000430297.5), dbSNP rs1131691889, ClinGen allele CA645369802.